The following is an entry in ClinVar:

NM_001103.4(ACTN2):c.2479A>G (p.Thr827Ala)

Gene: ACTN2 (actinin alpha 2; plus strand). Cytogenetic location: 1q43.
Variant type: single nucleotide variant.
Coding change: c.2479A>G on transcript NM_001103.4 (MANE Select); coding-DNA position 2479, A replaced by G.
Protein change: p.Thr827Ala; replaces threonine 827 with alanine.
Molecular consequence: missense variant.
Genome position (GRCh38, 1-based): chr1:236,761,126, A>G. VCF-style: chr1-236761126-A-G. GRCh37 (hg19) VCF-style: chr1-236924426-A-G.
Other names: c.2479A>G, p.Thr827Ala (NM_001278343.2); c.1855A>G, p.Thr619Ala (NM_001278344.2); c.1729A>G, p.Thr577Ala (NM_001412150.1); short protein forms T827A, T577A, T619A.
Identifiers: ClinVar variation 1791872 (VCV001791872.2), dbSNP rs747824606, ClinGen allele CA1473453.

ClinVar aggregate classification (germline): Uncertain significance (1 of 4 stars; one submission).

Conditions:
Cardiovascular phenotype. Identifiers: MedGen CN230736.

Allele frequency attached by ClinVar (database versions not stated): gnomAD exomes below 0.00001; ExAC 0.00001.
gnomAD v4.1: 1 of 1,614,184 alleles (0.000062%); highest among the groups gnomAD compares: Non-Finnish European, 0.000085%; no homozygotes.

Submission:

Ambry Genetics
Classification: Uncertain significance for Cardiovascular phenotype. Last evaluated: 2019-07-12. Review status: criteria provided, single submitter. Criteria: Ambry Variant Classification Scheme 2023. Collection method: clinical testing. Allele origin: germline.
Comment: The p.T827A variant (also known as c.2479A>G), located in coding exon 20 of the ACTN2 gene, results from an A to G substitution at nucleotide position 2479. The threonine at codon 827 is replaced by alanine, an amino acid with similar properties. This amino acid position is highly conserved in available vertebrate species. In addition, this alteration is predicted to be tolerated by in silico analysis. Since supporting evidence is limited at this time, the clinical significance of this alteration remains unclear.